The following is an entry in ClinVar:

ClinVar aggregate classification (germline): Uncertain significance. Review status: criteria provided, multiple submitters, no conflicts (2 of 4 stars). 2 submissions from 2 submitters: Uncertain significance (2). Last evaluated 2023-10-16.

Conditions:
Familial adenomatous polyposis 1 (FAP1). Also called: FAMILIAL ADENOMATOUS POLYPOSIS 1, ATTENUATED; POLYPOSIS, ADENOMATOUS INTESTINAL. Identifiers: MedGen C2713442, MONDO:0021056, OMIM 175100. Disease mechanism: loss of function.
Hereditary cancer-predisposing syndrome. Also called: Tumor predisposition; Hereditary Cancer Syndrome; Hereditary neoplastic syndrome; Neoplastic Syndromes, Hereditary. Identifiers: Orphanet 140162, MedGen C0027672, MeSH D009386, MONDO:0015356.

Allele frequency attached by ClinVar (database versions not stated): gnomAD exomes below 0.00001; ExAC 0.00001.

Submissions (2):

Labcorp Genetics (formerly Invitae), Labcorp
Classification: Uncertain significance for Familial adenomatous polyposis 1. Last evaluated: 2023-10-16. Review status: criteria provided, single submitter. Criteria: Invitae Variant Classification Sherloc (09022015). Collection method: clinical testing. Allele origin: germline.
Comment: This sequence change replaces histidine, which is basic and polar, with glutamine, which is neutral and polar, at codon 753 of the APC protein (p.His753Gln). This variant is present in population databases (rs763155470, gnomAD 0.006%). This variant has not been reported in the literature in individuals affected with APC-related conditions. ClinVar contains an entry for this variant (Variation ID: 411460). Advanced modeling of protein sequence and biophysical properties (such as structural, functional, and spatial information, amino acid conservation, physicochemical variation, residue mobility, and thermodynamic stability) performed at Invitae indicates that this missense variant is not expected to disrupt APC protein function. In summary, the available evidence is currently insufficient to determine the role of this variant in disease. Therefore, it has been classified as a Variant of Uncertain Significance.

Ambry Genetics
Classification: Uncertain significance for Hereditary cancer-predisposing syndrome. Last evaluated: 2022-02-03. Review status: criteria provided, single submitter. Criteria: Ambry Variant Classification Scheme 2023. Collection method: clinical testing. Allele origin: germline.
Comment: The p.H753Q variant (also known as c.2259T>G), located in coding exon 15 of the APC gene, results from a T to G substitution at nucleotide position 2259. The histidine at codon 753 is replaced by glutamine, an amino acid with highly similar properties. This amino acid position is conserved. In addition, in silico predictors for this gene do not accurately predict pathogenicity. Since supporting evidence is limited at this time, the clinical significance of this alteration remains unclear.

NM_000038.6(APC):c.2259T>G (p.His753Gln)

Gene: APC (APC regulator of Wnt signaling pathway; plus strand). Cytogenetic location: 5q22.2.
Variant type: single nucleotide variant.
Coding change: c.2259T>G on transcript NM_000038.6 (MANE Select); coding-DNA position 2259, T replaced by G.
Protein change: p.His753Gln; replaces histidine 753 with glutamine.
Molecular consequence: missense variant.
Genome position (GRCh38, 1-based): chr5:112,837,853, T>G. VCF-style: chr5-112837853-T-G. GRCh37 (hg19) VCF-style: chr5-112173550-T-G.
Other names: c.1881T>G, p.His627Gln (NM_001354904.2); c.1779T>G, p.His593Gln (NM_001354905.2); c.1410T>G, p.His470Gln (NM_001354906.2); c.2259T>G, p.His753Gln (NM_001127510.3, NM_001354895.2); c.2205T>G, p.His735Gln (NM_001127511.3); c.2313T>G, p.His771Gln (NM_001354896.2); c.2289T>G, p.His763Gln (NM_001354897.2); c.2184T>G, p.His728Gln (NM_001354898.2); and 5 more; short protein forms H735Q, H753Q, H712Q, H725Q, H694Q, H771Q, H470Q, H593Q.
Identifiers: ClinVar variation 411460 (VCV000411460.12), dbSNP rs763155470, ClinGen allele CA031538.
Genomic context (GRCh38, chr5:112,837,853, plus strand): 5'-GCCTGCGAAGTACAAGGATGCCAATATTATGTCTCCTGGCTCAAGCTTGCCATCTCTTCA[T>G]GTTAGGAAACAAAAAGCCCTAGAAGCAGAATTAGATGCTCAGCACTTATCAGAAACTTTT-3'
Protein context (NP_000029.2, residues 743-763): MSPGSSLPSL[His753Gln]VRKQKALEAE